The following is an entry in ClinVar:

NM_001429.4(EP300):c.5879C>T (p.Thr1960Ile)

Gene: EP300 (EP300 lysine acetyltransferase; plus strand). Cytogenetic location: 22q13.2.
Variant type: single nucleotide variant.
Coding change: c.5879C>T on transcript NM_001429.4 (MANE Select); coding-DNA position 5879, C replaced by T.
Protein change: p.Thr1960Ile; replaces threonine 1960 with isoleucine.
Molecular consequence: missense variant.
Genome position (GRCh38, 1-based): chr22:41,177,590, C>T. VCF-style: chr22-41177590-C-T. GRCh37 (hg19) VCF-style: chr22-41573594-C-T.
Other names: c.5801C>T, p.Thr1934Ile (NM_001362843.2); short protein forms T1934I, T1960I.
Identifiers: ClinVar variation 2653210 (VCV002653210.24), dbSNP rs2145518321, ClinGen allele CA411710222.

ClinVar aggregate classification (germline): Uncertain significance (1 of 4 stars; one submission).

Submission:

CeGaT Center for Human Genetics Tuebingen
Classification: Uncertain significance. Last evaluated: 2022-10-01. Review status: criteria provided, single submitter. Criteria: CeGaT Center For Human Genetics Tuebingen Variant Classification Criteria Version 2. Collection method: clinical testing. Allele origin: germline. Affected: yes. Observed: 1 variant allele.
Comment: EP300: PM2, BP4